The following is an entry in ClinVar:

ClinVar aggregate classification (germline): Uncertain significance (1 of 4 stars; one submission).

Conditions:
Hereditary cancer-predisposing syndrome. Also called: Hereditary Cancer Syndrome; Neoplastic Syndromes, Hereditary; Tumor predisposition; Hereditary neoplastic syndrome. Identifiers: Orphanet 140162, MedGen C0027672, MeSH D009386, MONDO:0015356.

Submission:

Ambry Genetics
Classification: Uncertain significance for Hereditary cancer-predisposing syndrome. Last evaluated: 2021-06-30. Review status: criteria provided, single submitter. Criteria: Ambry Variant Classification Scheme 2023. Collection method: clinical testing. Allele origin: germline.
Comment: The p.N179H variant (also known as c.535A>C), located in coding exon 3 of the PDGFRA gene, results from an A to C substitution at nucleotide position 535. The asparagine at codon 179 is replaced by histidine, an amino acid with similar properties. This amino acid position is conserved. In addition, this alteration is predicted to be tolerated by in silico analysis. Since supporting evidence is limited at this time, the clinical significance of this alteration remains unclear.

NM_006206.6(PDGFRA):c.535A>C (p.Asn179His)

Gene: PDGFRA (platelet derived growth factor receptor alpha; plus strand). Cytogenetic location: 4q12.
Variant type: single nucleotide variant.
Coding change: c.535A>C on transcript NM_006206.6 (MANE Select); coding-DNA position 535, A replaced by C.
Protein change: p.Asn179His; replaces asparagine 179 with histidine.
Molecular consequence: missense variant.
Genome position (GRCh38, 1-based): chr4:54,263,834, A>C. VCF-style: chr4-54263834-A-C. GRCh37 (hg19) VCF-style: chr4-55130001-A-C.
Other names: c.535A>C, p.Asn179His (NM_001347827.2, NM_001347829.2); c.610A>C, p.Asn204His (NM_001347828.2); c.574A>C, p.Asn192His (NM_001347830.2); short protein forms N179H, N204H, N192H.
Identifiers: ClinVar variation 1747045 (VCV001747045.2), dbSNP rs1722887627, ClinGen allele CA356890035.